The following is an entry in ClinVar:

NM_000214.3(JAG1):c.3182C>A (p.Pro1061His)

Gene: JAG1 (jagged canonical Notch ligand 1; minus strand). Cytogenetic location: 20p12.2.
Variant type: single nucleotide variant.
Coding change: c.3182C>A on transcript NM_000214.3 (MANE Select); coding-DNA position 3182, C replaced by A.
Protein change: p.Pro1061His; replaces proline 1061 with histidine.
Molecular consequence: missense variant.
Genome position (GRCh38, 1-based): chr20:10,640,800, G>T on the plus strand (C>A on the coding strand, the complement: JAG1 is on the minus strand). VCF-style: chr20-10640800-G-T. GRCh37 (hg19) VCF-style: chr20-10621448-G-T.
Other names: short protein forms P1061H.
Identifiers: ClinVar variation 4614281 (VCV004614281.1).

ClinVar aggregate classification (germline): Uncertain significance (1 of 4 stars; one submission).

Conditions:
Cardiovascular phenotype. Identifiers: MedGen CN230736.

Submission:

Ambry Genetics
Classification: Uncertain significance for Cardiovascular phenotype. Last evaluated: 2025-11-10. Review status: criteria provided, single submitter. Criteria: Ambry Variant Classification Scheme 2023. Collection method: clinical testing. Allele origin: germline.
Comment: The p.P1061H variant (also known as c.3182C>A), located in coding exon 25 of the JAG1 gene, results from a C to A substitution at nucleotide position 3182. The proline at codon 1061 is replaced by histidine, an amino acid with similar properties. This amino acid position is conserved. In addition, the in silico prediction for this alteration is inconclusive. Based on the available evidence, the clinical significance of this variant remains unclear.